The following is an entry in ClinVar:

ClinVar aggregate classification (germline): Conflicting classifications of pathogenicity. Review status: criteria provided, conflicting classifications (1 of 4 stars). 11 submissions from 11 submitters: Uncertain significance (9); Likely benign (1). 1 of the submissions does not count toward it. Last evaluated 2025-08-06.

Conditions:
ATM-related cancer predisposition. Also called: ATM-related cancer susceptibility. Identifiers: MedGen CN377759, MONDO:0700270.
Hereditary cancer-predisposing syndrome. Also called: Tumor predisposition; Hereditary neoplastic syndrome; Hereditary Cancer Syndrome; Neoplastic Syndromes, Hereditary. Identifiers: Orphanet 140162, MedGen C0027672, MeSH D009386, MONDO:0015356.
Familial cancer of breast. Also called: BREAST CANCER, FAMILIAL; Hereditary breast cancer; hereditary breast carcinoma. Identifiers: Orphanet 227535, MedGen C0346153, MONDO:0016419, OMIM 114480. Disease mechanism: loss of function.
Ataxia-telangiectasia syndrome (AT). Also called: Ataxia telangiectasia (A-T); Ataxia-telangiectasia, complementation group E; ATAXIA-TELANGIECTASIA, COMPLEMENTATION GROUP A; ATAXIA-TELANGIECTASIA, FRESNO VARIANT; Ataxia-telangiectasia; Cerebello-oculocutaneous telangiectasia. Identifiers: Orphanet 100, MedGen C0004135, MONDO:0008840, OMIM 208900.

Allele frequency attached by ClinVar (database versions not stated): gnomAD exomes below 0.00001; TOPMed below 0.00001; ExAC 0.00001.
gnomAD v4.1: 7 of 1,612,378 alleles (0.00043%); highest among the groups gnomAD compares: Admixed American, 0.0017%; no homozygotes.

Submissions (11):

Labcorp Genetics (formerly Invitae), Labcorp
Classification: Uncertain significance for Ataxia-telangiectasia syndrome. Last evaluated: 2025-08-06. Review status: criteria provided, single submitter. Criteria: Invitae Variant Classification Sherloc (09022015). Collection method: clinical testing. Allele origin: germline.
Comment: This sequence change replaces tyrosine, which is neutral and polar, with cysteine, which is neutral and slightly polar, at codon 67 of the ATM protein (p.Tyr67Cys). This variant is present in population databases (rs754033733, gnomAD 0.003%). This variant has not been reported in the literature in individuals affected with ATM-related conditions. ClinVar contains an entry for this variant (Variation ID: 231354). Invitae Evidence Modeling of protein sequence and biophysical properties (such as structural, functional, and spatial information, amino acid conservation, physicochemical variation, residue mobility, and thermodynamic stability) indicates that this missense variant is not expected to disrupt ATM protein function with a negative predictive value of 95%. In summary, the available evidence is currently insufficient to determine the role of this variant in disease. Therefore, it has been classified as a Variant of Uncertain Significance.

Dasa
Classification: Uncertain significance for ATM-related cancer predisposition. Last evaluated: 2025-01-13. Review status: criteria provided, single submitter. Criteria: DASA Assertion Criteria. Collection method: clinical testing. Allele origin: germline.
Comment: NM_000051.4(ATM):c.200A>G (p.Tyr67Cys) is a missense variant that results in the substitution of tyrosine with cysteine. This variant is rare in population databases. The currently available literature and clinical evidence are not sufficient to establish a definitive association between this variant and the reported condition. Therefore, this variant is classified as a variant of uncertain significance.

Myriad Genetics, Inc.
Classification: Likely benign for Familial cancer of breast. Last evaluated: 2024-04-18. Review status: criteria provided, single submitter. Criteria: Myriad Autosomal Dominant, Autosomal Recessive and X-Linked Classification Criteria (2023). Collection method: clinical testing. Allele origin: unknown.
Comment: This variant is considered likely benign. This variant is strongly associated with less severe personal and family histories of cancer, typical for individuals without pathogenic variants in this gene [PMID: 25085752].

Ambry Genetics
Classification: Uncertain significance for Hereditary cancer-predisposing syndrome. Last evaluated: 2023-08-25. Review status: criteria provided, single submitter. Criteria: Ambry Variant Classification Scheme 2023. Collection method: clinical testing. Allele origin: germline.
Comment: The p.Y67C variant (also known as c.200A>G), located in coding exon 3 of the ATM gene, results from an A to G substitution at nucleotide position 200. The tyrosine at codon 67 is replaced by cysteine, an amino acid with highly dissimilar properties. This alteration was detected in 2/5589 German BRCA1/2-negative probands with breast cancer (Hauke J et al. Cancer Med, 2018 04;7:1349-1358). This alteration was also identified in a patient with autoimmune lymphoproliferative syndrome (ALPS) -like phenotype (Grossi A et al. Genes (Basel), 2021 Aug;12:). This amino acid position is well conserved in available vertebrate species. In addition, the in silico prediction for this alteration is inconclusive. Since supporting evidence is limited at this time, the clinical significance of this alteration remains unclear.

Baylor Genetics
Classification: Uncertain significance for Familial cancer of breast. Last evaluated: 2023-08-05. Review status: criteria provided, single submitter. Criteria: ACMG Guidelines, 2015. Collection method: clinical testing. Allele origin: unknown.

GeneDx
Classification: Uncertain significance. Last evaluated: 2023-06-27. Review status: criteria provided, single submitter. Criteria: GeneDx Variant Classification Process June 2021. Collection method: clinical testing. Allele origin: germline. Affected: yes.
Comment: Not observed at significant frequency in large population cohorts (gnomAD); In silico analysis supports that this missense variant has a deleterious effect on protein structure/function; Observed in the heterozygous state in an individual with breast cancer and among a cohort of patients affected with inborn errors of immunity (Hauke et al., 2018; Grossi et al., 2021); This variant is associated with the following publications: (PMID: 34573280, 29522266)

Department of Pathology and Laboratory Medicine, Sinai Health System
Classification: Uncertain significance for Familial cancer of breast. Last evaluated: 2023-03-27. Review status: criteria provided, single submitter. Criteria: ACMG Guidelines, 2015. Collection method: clinical testing. Allele origin: germline. Affected: yes.

Color Diagnostics, LLC DBA Color Health
Classification: Uncertain significance for Hereditary cancer-predisposing syndrome. Last evaluated: 2022-05-09. Review status: criteria provided, single submitter. Criteria: ACMG Guidelines, 2015. Collection method: clinical testing. Allele origin: germline.
Comment: This missense variant replaces tyrosine with cysteine at codon 67 of the ATM protein. Computational prediction suggests that this variant may not impact protein structure and function (internally defined REVEL score threshold <= 0.5, PMID: 27666373). To our knowledge, functional studies have not been reported for this variant. This variant has not been reported in individuals affected with hereditary cancer in the literature. This variant has been identified in 1/248620 chromosomes in the general population by the Genome Aggregation Database (gnomAD). The available evidence is insufficient to determine the role of this variant in disease conclusively. Therefore, this variant is classified as a Variant of Uncertain Significance.

Division of Medical Genetics, University of Washington
Classification: Uncertain significance for Familial cancer of breast. Last evaluated: 2019-04-01. Review status: criteria provided, single submitter. Criteria: ACMG Guidelines, 2015. Collection method: clinical testing. Allele origin: germline. Affected: no. Study: CSER_CHARM.
Comment: To our knowledge, this sequence variant has not been previously reported in the literature. The c.200A>G variant has an overall allele frequency of 0.000004 in the Broad Institute ExAC Browser. In silico analyses indicate this is an evolutionarily conserved residue. Thus, it is unknown at this time whether this variant increases cancer risk.

Genetic Services Laboratory, University of Chicago
Classification: Uncertain significance. Last evaluated: 2016-04-13. Review status: criteria provided, single submitter. Criteria: ACMG Guidelines, 2015. Collection method: clinical testing. Allele origin: germline. Affected: no.

Natera, Inc.
Classification: Uncertain significance for Ataxia-telangiectasia. Last evaluated: 2020-09-16. Review status: no assertion criteria provided. Collection method: clinical testing. Allele origin: germline. Not counted in ClinVar's aggregate classification.

Literature cited by the submitters: PubMed 25085752 (cited by Myriad Genetics, Inc.); PubMed 29522266 (cited by Ambry Genetics); PubMed 34573280 (cited by Ambry Genetics).

NM_000051.4(ATM):c.200A>G (p.Tyr67Cys)

Gene: ATM (ATM serine/threonine kinase; plus strand). Cytogenetic location: 11q22.3.
Variant type: single nucleotide variant.
Coding change: c.200A>G on transcript NM_000051.4 (MANE Select); coding-DNA position 200, A replaced by G.
Protein change: p.Tyr67Cys; replaces tyrosine 67 with cysteine.
Molecular consequence: missense variant.
Genome position (GRCh38, 1-based): chr11:108,229,192, A>G. VCF-style: chr11-108229192-A-G. GRCh37 (hg19) VCF-style: chr11-108099919-A-G.
Other names: c.200A>G (NM_000051.2); c.200A>G, p.Tyr67Cys (NM_001351834.2, NM_001351835.2, NM_001351836.2); short protein forms Y67C.
Identifiers: ClinVar variation 231354 (VCV000231354.32), dbSNP rs754033733, ClinGen allele CA6264536.
Genomic context (GRCh38, chr11:108,229,192, plus strand): 5'-TTAAGTATTCAACGAGTTTCTGAAATTGCATTTTGTTTTCTTGAAGATTTTTACAGAAAT[A>G]TATTCAGAAAGAAACAGAATGTCTGAGAATAGCAAAACCAAATGTATCAGCCTCAACACA-3'
Protein context (NP_000042.3, residues 57-77): WDAVFRFLQK[Tyr67Cys]IQKETECLRI